The following is an entry in ClinVar:

NM_182972.3(IRF2BP2):c.640G>A (p.Ala214Thr)

Genes: IRF2BP2 (interferon regulatory factor 2 binding protein 2; minus strand), LOC129932811 (ATAC-STARR-seq lymphoblastoid silent region 1976; plus strand). Cytogenetic location: 1q42.3.
Variant type: single nucleotide variant.
Coding change: c.640G>A on transcript NM_182972.3 (MANE Select); coding-DNA position 640, G replaced by A.
Protein change: p.Ala214Thr; replaces alanine 214 with threonine.
Molecular consequence: missense variant.
Genome position (GRCh38, 1-based): chr1:234,608,855, C>T on the plus strand (G>A on the coding strand, the complement: IRF2BP2 is on the minus strand). VCF-style: chr1-234608855-C-T. GRCh37 (hg19) VCF-style: chr1-234744601-C-T.
Other names: c.640G>A, p.Ala214Thr (NM_001077397.1); c.640G>A (NM_182972.2); short protein forms A214T.
Identifiers: ClinVar variation 1387466 (VCV001387466.8), dbSNP rs775860106, ClinGen allele CA1461796.

ClinVar aggregate classification (germline): Uncertain significance. Review status: criteria provided, multiple submitters, no conflicts (2 of 4 stars). 2 submissions from 2 submitters: Uncertain significance (2). Last evaluated 2025-12-29.

Allele frequency attached by ClinVar (database versions not stated): gnomAD exomes 0.00030.
gnomAD v4.1: 34 of 1,326,650 alleles (0.0026%); highest among the groups gnomAD compares: Middle Eastern, 0.027%; no homozygotes.

Submissions (2):

Labcorp Genetics (formerly Invitae), Labcorp
Classification: Uncertain significance. Last evaluated: 2025-12-29. Review status: criteria provided, single submitter. Criteria: Invitae Variant Classification Sherloc (09022015). Collection method: clinical testing. Allele origin: germline.
Comment: This sequence change replaces alanine, which is neutral and non-polar, with threonine, which is neutral and polar, at codon 214 of the IRF2BP2 protein (p.Ala214Thr). The frequency data for this variant in the population databases is considered unreliable, as metrics indicate poor data quality at this position in the gnomAD database. This variant has not been reported in the literature in individuals affected with IRF2BP2-related conditions. ClinVar contains an entry for this variant (Variation ID: 1387466). An algorithm developed to predict the effect of missense changes on protein structure and function (PolyPhen-2) suggests that this variant is likely to be disruptive. In summary, the available evidence is currently insufficient to determine the role of this variant in disease. Therefore, it has been classified as a Variant of Uncertain Significance.

Ambry Genetics
Classification: Uncertain significance. Last evaluated: 2025-05-20. Review status: criteria provided, single submitter. Criteria: Ambry Variant Classification Scheme 2023. Collection method: clinical testing. Allele origin: germline.